The following is an entry in ClinVar:

ClinVar aggregate classification (germline): Uncertain significance (1 of 4 stars; one submission).

gnomAD v4.1: 1 of 1,614,174 alleles (0.000062%); highest among the groups gnomAD compares: Non-Finnish European, 0.000085%; no homozygotes.

Submission:

Mayo Clinic Laboratories, Mayo Clinic
Classification: Uncertain significance. Last evaluated: 2023-12-06. Review status: criteria provided, single submitter. Criteria: ACMG Guidelines, 2015. Collection method: clinical testing. Allele origin: germline. Observed: 1 variant allele.
Comment: PP2, PM2

NM_053025.4(MYLK):c.5390T>C (p.Leu1797Pro)

Genes: MYLK (myosin light chain kinase; minus strand), MYLK-AS1 (MYLK antisense RNA 1; plus strand). Cytogenetic location: 3q21.1.
Variant type: single nucleotide variant.
Coding change: c.5390T>C on transcript NM_053025.4 (MANE Select); coding-DNA position 5390, T replaced by C.
Protein change: p.Leu1797Pro; replaces leucine 1797 with proline.
Molecular consequence: missense variant.
Genome position (GRCh38, 1-based): chr3:123,618,749, A>G on the plus strand (T>C on the coding strand, the complement: MYLK is on the minus strand). VCF-style: chr3-123618749-A-G. GRCh37 (hg19) VCF-style: chr3-123337596-A-G.
Other names: p.Leu1797Pro; c.4862T>C, p.Leu1621Pro (NM_001321309.2); c.5183T>C, p.Leu1728Pro (NM_053026.4); c.5237T>C, p.Leu1746Pro (NM_053027.4); c.5030T>C, p.Leu1677Pro (NM_053028.4); c.107T>C, p.Leu36Pro (NM_053031.4); c.110T>C, p.Leu37Pro (NM_053032.4); short protein forms L1621P, L1677P, L1728P, L1746P, L1797P, L36P, L37P.
Identifiers: ClinVar variation 3379489 (VCV003379489.1).